The following is an entry in ClinVar:

ClinVar aggregate classification (germline): Conflicting classifications of pathogenicity. Review status: criteria provided, conflicting classifications (1 of 4 stars). 4 submissions from 1 submitter: Uncertain significance (1); Likely benign (3). Last evaluated 2018-01-13.

Conditions:
Craniosynostosis syndrome. Also called: Craniosynostosis. Identifiers: Orphanet 1531, MedGen C0010278, MeSH D003398, MONDO:0015469, HP:0001363.
Trigonocephaly 1 (TRIGNO1). Identifiers: Orphanet 3366, MedGen C0432122, MONDO:0008603, OMIM 190440.
Hypogonadotropic hypogonadism 2 with or without anosmia (HH2). Also called: HYPOGONADOTROPIC HYPOGONADISM 2 WITH OR WITHOUT ANOSMIA, SUSCEPTIBILITY TO; HYPOGONADOTROPIC HYPOGONADISM 2 WITHOUT ANOSMIA, SUSCEPTIBILITY TO; FGFR1-Related GnRH Deficiency (Kallmann Syndrome 2); HYPOGONADOTROPIC HYPOGONADISM 2 WITHOUT ANOSMIA. Identifiers: Orphanet 478, MedGen C1563720, MONDO:0007844, OMIM 147950. Disease mechanism: loss of function.
Osteoglophonic dysplasia (OGD). Also called: Osteoglophonic dwarfism. Identifiers: Orphanet 2645, MedGen C0432283, MONDO:0008150, OMIM 166250.

Allele frequency attached by ClinVar (database versions not stated): gnomAD exomes 0.00019; gnomAD 0.00071 and 0.00077; TOPMed 0.00078; 1000 Genomes Project 0.00100; 1000 Genomes Project 30x 0.00125.
gnomAD v4.1: 126 of 228,014 alleles (0.055%); highest among the groups gnomAD compares: African/African-American, 0.24%; no homozygotes.

Submissions (4):

Illumina Laboratory Services, Illumina
Classification: Likely benign for Craniosynostosis. Last evaluated: 2018-01-13. Review status: criteria provided, single submitter. Criteria: ICSL Variant Classification Criteria 13 December 2019. Collection method: clinical testing. Allele origin: germline.
Comment: This variant was observed in the ICSL laboratory as part of a predisposition screen in an ostensibly healthy population. It had not been previously curated by ICSL or reported in the Human Gene Mutation Database (HGMD: prior to June 1st, 2018), and was therefore a candidate for classification through an automated scoring system. Utilizing variant allele frequency, disease prevalence and penetrance estimates, and inheritance mode, an automated score was calculated to assess if this variant is too frequent to cause the disease. Based on the score and internal cut-off values, a variant classified as likely benign is not then subjected to further curation. The score for this variant resulted in a classification of likely benign for this disease.

Illumina Laboratory Services, Illumina
Classification: Likely benign for Osteoglophonic dysplasia. Last evaluated: 2018-01-13. Review status: criteria provided, single submitter. Criteria: ICSL Variant Classification Criteria 13 December 2019. Collection method: clinical testing. Allele origin: germline.
Comment: the same text as in the submission from Illumina Laboratory Services, Illumina above.

Illumina Laboratory Services, Illumina
Classification: Likely benign for Trigonocephaly 1. Last evaluated: 2018-01-13. Review status: criteria provided, single submitter. Criteria: ICSL Variant Classification Criteria 13 December 2019. Collection method: clinical testing. Allele origin: germline.
Comment: the same text as in the submission from Illumina Laboratory Services, Illumina above.

Illumina Laboratory Services, Illumina
Classification: Uncertain significance for Hypogonadotropic hypogonadism 2 with or without anosmia. Last evaluated: 2018-01-13. Review status: criteria provided, single submitter. Criteria: ICSL Variant Classification Criteria 13 December 2019. Collection method: clinical testing. Allele origin: germline.

NM_023110.3(FGFR1):c.-338T>G

Gene: FGFR1 (fibroblast growth factor receptor 1; minus strand). Cytogenetic location: 8p11.23.
Variant type: single nucleotide variant.
Coding change: c.-338T>G on transcript NM_023110.3 (MANE Select); 338 bases upstream of the start codon, T replaced by G.
Molecular consequence: 5 prime UTR variant.
Genome position (GRCh38, 1-based): chr8:38,468,230, A>C on the plus strand (T>G on the coding strand, the complement: FGFR1 is on the minus strand). VCF-style: chr8-38468230-A-C. GRCh37 (hg19) VCF-style: chr8-38325748-A-C.
Other names: c.-338T>G (NM_001174063.2, NM_001354367.2, NM_001354368.2 and 4 more transcripts); c.-430T>G (NM_001174064.2).
Identifiers: ClinVar variation 362915 (VCV000362915.5), dbSNP rs527518565, ClinGen allele CA10630975.